The following is an entry in ClinVar:

ClinVar aggregate classification (germline): Likely pathogenic (1 of 4 stars; one submission).

Conditions:
Hereditary diffuse gastric adenocarcinoma (HDGC). Also called: DIFFUSE GASTRIC AND LOBULAR BREAST CANCER SYNDROME. Identifiers: Orphanet 26106, MedGen C1708349, MONDO:0007648, OMIM 137215.

Submission:

Labcorp Genetics (formerly Invitae), Labcorp
Classification: Likely pathogenic for Hereditary diffuse gastric adenocarcinoma. Last evaluated: 2022-07-01. Review status: criteria provided, single submitter. Criteria: Invitae Variant Classification Sherloc (09022015). Collection method: clinical testing. Allele origin: germline.
Comment: In summary, the currently available evidence indicates that the variant is pathogenic, but additional data are needed to prove that conclusively. Therefore, this variant has been classified as Likely Pathogenic. This variant has not been reported in the literature in individuals affected with CDH1-related conditions. This variant results in a copy number gain of the genomic region encompassing exon(s) 3 of the CDH1 gene. While the exact position of this variant cannot be determined from the data, sub-genic copy number gains are generally in tandem (PMID: 25640679). This variant is predicted to be out-of-frame, and may result in an absent or disrupted protein product. Loss-of-function variants in CDH1 are known to be pathogenic (PMID: 15235021, 20373070).

Literature cited by the submitters: PubMed 25640679; PubMed 15235021; PubMed 20373070.

NC_000016.9:g.(?_68835563)_(68835806_?)dup

Gene: CDH1 (cadherin 1; plus strand). Cytogenetic location: 16q22.1.
Variant type: Duplication.
Identifiers: ClinVar variation 646969 (VCV000646969.10).